The following is an entry in ClinVar:

NM_001387430.1(SH2B1):c.1395G>T (p.Met465Ile)

Gene: SH2B1 (SH2B adaptor protein 1; plus strand). Cytogenetic location: 16p11.2.
Variant type: single nucleotide variant.
Coding change: c.1395G>T on transcript NM_001387430.1 (MANE Select); coding-DNA position 1395, G replaced by T.
Protein change: p.Met465Ile; replaces methionine 465 with isoleucine.
Molecular consequence: missense variant.
Genome position (GRCh38, 1-based): chr16:28,871,865, G>T. VCF-style: chr16-28871865-G-T. GRCh37 (hg19) VCF-style: chr16-28883186-G-T.
Other names: c.1395G>T, p.Met465Ile (NM_001145795.2, NM_001145796.2, NM_001145797.2 and 4 more transcripts); c.387G>T, p.Met129Ile (NM_001308294.2); short protein forms M129I, M465I.
Identifiers: ClinVar variation 4716115 (VCV004716115.1).
Genomic context (GRCh38, chr16:28,871,865, plus strand): 5'-CCCCTCGGCATCCATCTCCCCCAGCTCTGCCTCCATTGCCGCCTCCCATTTTGACTCGAT[G>T]GAACTGCTTCCCCCAGAGTTGCCCCCCCGCATCCCCATTGAAGAGGGACCCCCAACAGGG-3'
Protein context (NP_001374359.1, residues 455-475): ASIAASHFDS[Met465Ile]ELLPPELPPR

ClinVar aggregate classification (germline): Uncertain significance (1 of 4 stars; one submission).

gnomAD v4.1: 2 of 1,610,314 alleles (0.00012%); highest among the groups gnomAD compares: Non-Finnish European, 0.00017%; no homozygotes.

Submission:

Labcorp Genetics (formerly Invitae), Labcorp
Classification: Uncertain significance. Last evaluated: 2025-10-02. Review status: criteria provided, single submitter. Criteria: Invitae Variant Classification Sherloc (09022015). Collection method: clinical testing. Allele origin: germline.
Comment: This sequence change replaces methionine, which is neutral and non-polar, with isoleucine, which is neutral and non-polar, at codon 465 of the SH2B1 protein (p.Met465Ile). This variant is not present in population databases (gnomAD no frequency). This variant has not been reported in the literature in individuals affected with SH2B1-related conditions. An algorithm developed to predict the effect of missense changes on protein structure and function (PolyPhen-2) suggests that this variant is likely to be tolerated. In summary, the available evidence is currently insufficient to determine the role of this variant in disease. Therefore, it has been classified as a Variant of Uncertain Significance.